The following is an entry in ClinVar:

ClinVar aggregate classification (germline): Uncertain significance. Review status: criteria provided, multiple submitters, no conflicts (2 of 4 stars). 2 submissions from 2 submitters: Uncertain significance (2). Last evaluated 2025-09-11.

Conditions:
Inborn genetic diseases. Identifiers: MedGen C0950123, MeSH D030342.

Allele frequency attached by ClinVar (database versions not stated): gnomAD 0.00001.
gnomAD v4.1: 2 of 1,613,984 alleles (0.00012%); highest among the groups gnomAD compares: Admixed American, 0.0017%; no homozygotes.

Submissions (2):

Dasa
Classification: Uncertain significance. Last evaluated: 2025-09-11. Review status: criteria provided, single submitter. Criteria: DASA Assertion Criteria. Collection method: clinical testing. Allele origin: germline.
Comment: NM_001130438.3(SPTAN1):c.5514C>A (p.Asp1838Glu) is a missense variant that results in the substitution of aspartic acid with glutamic acid. This variant is rare in population databases. The currently available literature and clinical evidence are not sufficient to establish a definitive association between this variant and the reported condition. Therefore, this variant is classified as a variant of uncertain significance.

Ambry Genetics
Classification: Uncertain significance for Inborn genetic diseases. Last evaluated: 2023-04-18. Review status: criteria provided, single submitter. Criteria: Ambry Variant Classification Scheme 2023. Collection method: clinical testing. Allele origin: germline.

NM_001130438.3(SPTAN1):c.5514C>A (p.Asp1838Glu)

Gene: SPTAN1 (spectrin alpha, non-erythrocytic 1; plus strand). Cytogenetic location: 9q34.11.
Variant type: single nucleotide variant.
Coding change: c.5514C>A on transcript NM_001130438.3 (MANE Select); coding-DNA position 5514, C replaced by A.
Protein change: p.Asp1838Glu; replaces aspartic acid 1838 with glutamic acid.
Molecular consequence: missense variant.
Genome position (GRCh38, 1-based): chr9:128,618,022, C>A. VCF-style: chr9-128618022-C-A. GRCh37 (hg19) VCF-style: chr9-131380301-C-A.
Other names: c.5439C>A, p.Asp1813Glu (NM_001195532.2); c.5514C>A, p.Asp1838Glu (NM_001363759.2, NM_001375310.1, NM_001375311.2 and 1 more transcripts); c.5454C>A, p.Asp1818Glu (NM_001363765.2, NM_001375314.2); c.5550C>A, p.Asp1850Glu (NM_001375312.2, NM_001375318.1); c.5499C>A, p.Asp1833Glu (NM_003127.4); short protein forms D1833E, D1813E, D1838E, D1850E, D1818E.
Identifiers: ClinVar variation 2537853 (VCV002537853.4), dbSNP rs1857387414, ClinGen allele CA375076948.